The following is an entry in ClinVar:

NM_170662.5(CBLB):c.588A>T (p.Val196=)

Gene: CBLB (Cbl proto-oncogene B; minus strand). Cytogenetic location: 3q13.11.
Variant type: single nucleotide variant.
Coding change: c.588A>T on transcript NM_170662.5 (MANE Select); coding-DNA position 588, A replaced by T.
Protein change: p.Val196=; no amino-acid change (valine 196 retained).
Molecular consequence: synonymous variant. On other transcripts: 5 prime UTR variant (5), non-coding transcript variant (7), intron variant (3).
Genome position (GRCh38, 1-based): chr3:105,751,597, T>A on the plus strand (A>T on the coding strand, the complement: CBLB is on the minus strand). VCF-style: chr3-105751597-T-A. GRCh37 (hg19) VCF-style: chr3-105470441-T-A.
Other names: c.672A>T, p.Val224= (NM_001321786.1, NM_001321789.1); c.588A>T, p.Val196= (NM_001321788.2, NM_001321791.2, NM_001321793.2 and 4 more transcripts); c.654A>T, p.Val218= (NM_001321790.2); c.441A>T, p.Val147= (NM_001321796.2, NM_001321799.2); c.-337A>T (NM_001321807.2, NM_001321808.2, NM_001321813.1); c.-909A>T (NM_001321820.2); c.-792A>T (NM_001321822.2); c.-57-5559A>T (NM_001321806.2, NM_001321816.2, NM_001321811.2).
Identifiers: ClinVar variation 3053848 (VCV003053848.2), dbSNP rs748996723, ClinGen allele CA2524975.

ClinVar aggregate classification (germline): Likely benign (0 of 4 stars; one submission).

Conditions:
CBLB-related disorder. Also called: CBLB-related condition.

Allele frequency attached by ClinVar (database versions not stated): gnomAD 0.00002; ExAC 0.00011.
gnomAD v4.1: 102 of 1,613,506 alleles (0.0063%); highest among the groups gnomAD compares: Non-Finnish European, 0.0084%; 1 homozygote.

Submission:

PreventionGenetics, part of Exact Sciences
Classification: Likely benign for CBLB-related condition. Last evaluated: 2019-08-26. Review status: no assertion criteria provided. Collection method: clinical testing. Allele origin: germline.
Comment: This variant is classified as likely benign based on ACMG/AMP sequence variant interpretation guidelines (Richards et al. 2015 PMID: 25741868, with internal and published modifications).